The following is an entry in ClinVar:

NM_005559.4(LAMA1):c.5298G>A (p.Ala1766=)

Gene: LAMA1 (laminin subunit alpha 1; minus strand). Cytogenetic location: 18p11.31.
Variant type: single nucleotide variant.
Coding change: c.5298G>A on transcript NM_005559.4 (MANE Select); coding-DNA position 5298, G replaced by A.
Protein change: p.Ala1766=; no amino-acid change (alanine 1766 retained).
Molecular consequence: synonymous variant.
Genome position (GRCh38, 1-based): chr18:6,986,218, C>T on the plus strand (G>A on the coding strand, the complement: LAMA1 is on the minus strand). VCF-style: chr18-6986218-C-T. GRCh37 (hg19) VCF-style: chr18-6986217-C-T.
Identifiers: ClinVar variation 740947 (VCV000740947.33), dbSNP rs200050759, ClinGen allele CA8881641.

ClinVar aggregate classification (germline): Likely benign. Review status: criteria provided, multiple submitters, no conflicts (2 of 4 stars). 3 submissions from 3 submitters: Likely benign (3). Last evaluated 2025-08-19.

Allele frequency attached by ClinVar (database versions not stated): ExAC 0.00013; TOPMed 0.00022; gnomAD 0.00025; 1000 Genomes Project 0.00040; 1000 Genomes Project 30x 0.00047.
gnomAD v4.1: 163 of 1,614,186 alleles (0.01%); highest among the groups gnomAD compares: African/African-American, 0.052%; 1 homozygote.

Submissions (3):

Labcorp Genetics (formerly Invitae), Labcorp
Classification: Likely benign. Last evaluated: 2025-08-19. Review status: criteria provided, single submitter. Criteria: Invitae Variant Classification Sherloc (09022015). Collection method: clinical testing. Allele origin: germline.

Blueprint Genetics
Classification: Likely benign. Last evaluated: 2023-10-30. Review status: criteria provided, single submitter. Criteria: ACMG Guidelines, 2015. Collection method: clinical testing. Allele origin: germline.

CeGaT Center for Human Genetics Tuebingen
Classification: Likely benign. Last evaluated: 2023-03-01. Review status: criteria provided, single submitter. Criteria: CeGaT Center For Human Genetics Tuebingen Variant Classification Criteria Version 2. Collection method: clinical testing. Allele origin: germline. Affected: yes. Observed: 1 variant allele.
Comment: LAMA1: BP4, BP7